The following is an entry in ClinVar:

ClinVar aggregate classification (germline): Uncertain significance (1 of 4 stars; one submission).

Submission:

CeGaT Center for Human Genetics Tuebingen
Classification: Uncertain significance. Last evaluated: 2023-11-01. Review status: criteria provided, single submitter. Criteria: CeGaT Center For Human Genetics Tuebingen Variant Classification Criteria Version 2. Collection method: clinical testing. Allele origin: germline. Affected: yes. Observed: 1 variant allele.
Comment: PLA2G6: PM1, PM2, PP3

NM_003560.4(PLA2G6):c.1651G>A (p.Gly551Ser)

Gene: PLA2G6 (phospholipase A2 group VI; minus strand). Cytogenetic location: 22q13.1.
Variant type: single nucleotide variant.
Coding change: c.1651G>A on transcript NM_003560.4 (MANE Select); coding-DNA position 1651, G replaced by A.
Protein change: p.Gly551Ser; replaces glycine 551 with serine.
Molecular consequence: missense variant.
Genome position (GRCh38, 1-based): chr22:38,120,850, C>T on the plus strand (G>A on the coding strand, the complement: PLA2G6 is on the minus strand). VCF-style: chr22-38120850-C-T. GRCh37 (hg19) VCF-style: chr22-38516857-C-T.
Other names: c.1489G>A, p.Gly497Ser (NM_001004426.3, NM_001199562.3, NM_001349865.2 and 1 more transcripts); c.1651G>A, p.Gly551Ser (NM_001349864.2); c.1117G>A, p.Gly373Ser (NM_001349867.2); c.973G>A, p.Gly325Ser (NM_001349868.2); c.955G>A, p.Gly319Ser (NM_001349869.2); short protein forms G319S, G325S, G373S, G497S, G551S.
Identifiers: ClinVar variation 2672908 (VCV002672908.23), dbSNP rs1263416047, ClinGen allele CA411527477.